The following is an entry in ClinVar:

NM_006950.3(SYN1):c.1342A>T (p.Thr448Ser)

Gene: SYN1 (synapsin I; minus strand). Cytogenetic location: Xp11.3.
Variant type: single nucleotide variant.
Coding change: c.1342A>T on transcript NM_006950.3 (MANE Select); coding-DNA position 1342, A replaced by T.
Protein change: p.Thr448Ser; replaces threonine 448 with serine.
Molecular consequence: missense variant.
Genome position (GRCh38, 1-based): chrX:47,574,739, T>A on the plus strand (A>T on the coding strand, the complement: SYN1 is on the minus strand). VCF-style: chrX-47574739-T-A. GRCh37 (hg19) VCF-style: chrX-47434138-T-A.
Other names: c.1342A>T, p.Thr448Ser (NM_133499.2); short protein forms T448S.
Identifiers: ClinVar variation 1957179 (VCV001957179.6), dbSNP rs770878318, ClinGen allele CA10398365.
Genomic context (GRCh38, chrX:47,574,739, plus strand): 5'-CTCGCTTACCCTGTGGTGGGGGTCGCTGCTGAGCCGGGGGCCCTGCGGGCTGCTGGGAGG[T>A]CTGGCGGCCCAAGGGCAGGGCCCCTGGGGACGGAGTCTGCGGCAGAGGAATGGAGCAGGA-3'
Protein context (NP_008881.2, residues 438-458): SPGALPLGRQ[Thr448Ser]SQQPAGPPAQ

ClinVar aggregate classification (germline): Conflicting classifications of pathogenicity. Review status: criteria provided, conflicting classifications (1 of 4 stars). 2 submissions from 2 submitters: Uncertain significance (1); Likely benign (1). Last evaluated 2024-06-29.

Conditions:
Inborn genetic diseases. Identifiers: MedGen C0950123, MeSH D030342.
Epilepsy, X-linked 1, with variable learning disabilities and behavior disorders. Also called: X-linked epilepsy-learning disabilities-behavior disorders syndrome. Identifiers: Orphanet 85294, MedGen C5774177, MONDO:0010339, OMIM 300491.

Allele frequency attached by ClinVar (database versions not stated): gnomAD 0.00001; ExAC 0.00005.
gnomAD v4.1: 3 of 1,184,764 alleles (0.00025%); highest among the groups gnomAD compares: African/African-American, 0.0054%; no homozygotes.

Submissions (2):

Labcorp Genetics (formerly Invitae), Labcorp
Classification: Uncertain significance for Epilepsy, X-linked 1, with variable learning disabilities and behavior disorders. Last evaluated: 2024-06-29. Review status: criteria provided, single submitter. Criteria: Invitae Variant Classification Sherloc (09022015). Collection method: clinical testing. Allele origin: germline.
Comment: This sequence change replaces threonine, which is neutral and polar, with serine, which is neutral and polar, at codon 448 of the SYN1 protein (p.Thr448Ser). This variant is present in population databases (rs770878318, gnomAD 0.02%). This variant has not been reported in the literature in individuals affected with SYN1-related conditions. ClinVar contains an entry for this variant (Variation ID: 1957179). An algorithm developed to predict the effect of missense changes on protein structure and function (PolyPhen-2) suggests that this variant is likely to be tolerated. In summary, the available evidence is currently insufficient to determine the role of this variant in disease. Therefore, it has been classified as a Variant of Uncertain Significance.

Ambry Genetics
Classification: Likely benign for Inborn genetic diseases. Last evaluated: 2024-03-04. Review status: criteria provided, single submitter. Criteria: Ambry Variant Classification Scheme 2023. Collection method: clinical testing. Allele origin: germline.